The following is an entry in ClinVar:

NM_001723.7(DST):c.7940A>G (p.Tyr2647Cys)

Gene: DST (dystonin; minus strand). Cytogenetic location: 6p12.1.
Variant type: single nucleotide variant.
Coding change: c.7940A>G on transcript NM_001723.7 (MANE Plus Clinical); coding-DNA position 7940, A replaced by G.
Protein change: p.Tyr2647Cys; replaces tyrosine 2647 with cysteine.
Molecular consequence: missense variant. On other transcripts: intron variant (10).
Genome position (GRCh38, 1-based): chr6:56,615,527, T>C on the plus strand (A>G on the coding strand, the complement: DST is on the minus strand). VCF-style: chr6-56615527-T-C. GRCh37 (hg19) VCF-style: chr6-56480325-T-C.
Other names: c.4831-1043A>G (NM_001144769.5); c.4930-1043A>G (NM_001374722.1, NM_001374736.1); c.4957-1043A>G (NM_001374734.1); c.4417-1043A>G (NM_001144770.2); c.4297-1043A>G (NM_001374730.1, NM_001386100.1, NM_183380.4 and 1 more transcripts); c.3319-1043A>G (NM_015548.5); short protein forms Y2647C.
Identifiers: ClinVar variation 541450 (VCV000541450.9), dbSNP rs759049357, ClinGen allele CA364561909.

ClinVar aggregate classification (germline): Uncertain significance (1 of 4 stars; one submission).

Conditions:
Hereditary sensory and autonomic neuropathy type 6. Also called: HSAN VI; Neuropathy, hereditary sensory and autonomic, type VI. Identifiers: Orphanet 314381, MedGen C3539003, MONDO:0013839, OMIM 614653.
Epidermolysis bullosa simplex 3, localized or generalized intermediate, with BP230 deficiency (EBS3). Also called: Epidermolysis bullosa simplex, autosomal recessive 2; Epidermolysis bullosa simplex due to BP230 deficiency. Identifiers: Orphanet 412181, MedGen C3809470, MONDO:0014180, OMIM 615425.

gnomAD v4.1: 4 of 1,614,082 alleles (0.00025%); highest among the groups gnomAD compares: East Asian, 0.0022%; no homozygotes.

Submission:

Labcorp Genetics (formerly Invitae), Labcorp
Classification: Uncertain significance for Epidermolysis bullosa simplex 3, localized or generalized intermediate, with BP230 deficiency; Hereditary sensory and autonomic neuropathy type 6. Last evaluated: 2017-12-13. Review status: criteria provided, single submitter. Criteria: Invitae Variant Classification Sherloc (09022015). Collection method: clinical testing. Allele origin: germline.
Comment: Algorithms developed to predict the effect of missense changes on protein structure and function do not agree on the potential impact of this missense change (SIFT: "Tolerated"; PolyPhen-2: "Probably Damaging"; Align-GVGD: "Class C15"). In summary, the available evidence is currently insufficient to determine the role of this variant in disease. Therefore, it has been classified as a Variant of Uncertain Significance. This variant has not been reported in the literature in individuals with DST-related disease. This sequence change replaces tyrosine with cysteine at codon 2647 of the DST protein (p.Tyr2647Cys). The tyrosine residue is weakly conserved and there is a large physicochemical difference between tyrosine and cysteine. This variant is not present in population databases (ExAC no frequency).